The following is an entry in ClinVar:

ClinVar aggregate classification (germline): Likely pathogenic (1 of 4 stars; one submission).

Conditions:
Recessive dystrophic epidermolysis bullosa (RDEB). Also called: DYSTROPHIC EPIDERMOLYSIS BULLOSA, AUTOSOMAL RECESSIVE; EPIDERMOLYSIS BULLOSA DYSTROPHICA, HALLOPEAU-SIEMENS TYPE; Hallopeau-Siemens Disease; severe generalized recessive dystrophic epidermolysis bullosa; EPIDERMOLYSIS BULLOSA DYSTROPHICA, GENERALIZED SEVERE, AUTOSOMAL RECESSIVE; Epidermolysis Bullosa Distrophica Autosomal Recessive (RDEB). Identifiers: Orphanet 79408, Orphanet 79409, MedGen C0079474, MONDO:0009179, OMIM 226600.

gnomAD v4.1: 1 of 1,613,966 alleles (0.000062%); highest among the groups gnomAD compares: Non-Finnish European, 0.000085%; no homozygotes.

Submission:

Women's Health and Genetics/Laboratory Corporation of America, LabCorp
Classification: Likely pathogenic for Recessive dystrophic epidermolysis bullosa. Last evaluated: 2025-11-07. Review status: criteria provided, single submitter. Criteria: LabCorp Variant Classification Summary - May 2015. Collection method: clinical testing. Allele origin: germline.
Comment: Variant summary: COL7A1 c.6197A>C (p.Lys2066Thr) results in a non-conservative amino acid change in the encoded protein sequence. Algorithms developed to predict the effect of missense changes on protein structure and function are either unavailable or do not agree on the potential impact of this missense change. The variant was absent in 251316 control chromosomes. c.6197A>C has been observed in the presumed compound heterozygous state in at least 1 individual(s) affected with Dystrophic Epidermolysis Bullosa, Recessive (example, Chen_2023). To our knowledge, no experimental evidence demonstrating an impact on protein function has been reported. A different missense variant at the same codon (c.6197A>T, p.Lys2066Ile) has been determined to be likely pathogenic/pathogenic by our laboratory, supporting the critical relevance of codon 2066 for COL7A1 protein function (PMID: 27899325). The following publication has been ascertained in the context of this evaluation (PMID: 36287101). No submitters have cited clinical-significance assessments for this variant to ClinVar. Based on the evidence outlined above, the variant was classified as likely pathogenic.

Literature cited by the submitters: PubMed 36287101.

NM_000094.4(COL7A1):c.6197A>C (p.Lys2066Thr)

Gene: COL7A1 (collagen type VII alpha 1 chain; minus strand). Cytogenetic location: 3p21.31.
Variant type: single nucleotide variant.
Coding change: c.6197A>C on transcript NM_000094.4 (MANE Select); coding-DNA position 6197, A replaced by C.
Protein change: p.Lys2066Thr; replaces lysine 2066 with threonine.
Molecular consequence: missense variant.
Genome position (GRCh38, 1-based): chr3:48,575,226, T>G on the plus strand (A>C on the coding strand, the complement: COL7A1 is on the minus strand). VCF-style: chr3-48575226-T-G. GRCh37 (hg19) VCF-style: chr3-48612659-T-G.
Other names: short protein forms K2066T.
Identifiers: ClinVar variation 4536966 (VCV004536966.1).